The following is an entry in ClinVar:

NM_004519.4(KCNQ3):c.*1937A>G

Gene: KCNQ3 (potassium voltage-gated channel subfamily Q member 3; minus strand). Cytogenetic location: 8q24.22.
Variant type: single nucleotide variant.
Coding change: c.*1937A>G on transcript NM_004519.4 (MANE Select); 1937 bases downstream of the stop codon, A replaced by G.
Molecular consequence: 3 prime UTR variant.
Genome position (GRCh38, 1-based): chr8:132,127,325, T>C on the plus strand (A>G on the coding strand, the complement: KCNQ3 is on the minus strand). VCF-style: chr8-132127325-T-C. GRCh37 (hg19) VCF-style: chr8-133139572-T-C.
Other names: c.*1937A>G (NM_001204824.2).
Identifiers: ClinVar variation 911711 (VCV000911711.4), dbSNP rs144262306, ClinGen allele CA185429857.

ClinVar aggregate classification (germline): Benign (1 of 4 stars; one submission).

Conditions:
Seizures, benign familial neonatal, 2. Also called: Benign Neonatal Epilepsy 2; CONVULSIONS, BENIGN FAMILIAL NEONATAL, 2; KCNQ3-Related Benign Familial Neonatal Epilepsy; KCNQ3-Related Self-Limited Familial Neonatal Epilepsy (SLFNE); Seizures, benign neonatal, 2. Identifiers: Orphanet 1949, MedGen C1852581, MONDO:0007366, OMIM 121201.

Allele frequency attached by ClinVar (database versions not stated): gnomAD 0.00160 and 0.00171; 1000 Genomes Project 30x 0.00187; TOPMed 0.00217; 1000 Genomes Project 0.00220.

Submission:

Illumina Laboratory Services, Illumina
Classification: Benign for Seizures, benign familial neonatal, 2. Last evaluated: 2018-01-12. Review status: criteria provided, single submitter. Criteria: ICSL Variant Classification Criteria 13 December 2019. Collection method: clinical testing. Allele origin: germline.
Comment: This variant was observed in the ICSL laboratory as part of a predisposition screen in an ostensibly healthy population. It had not been previously curated by ICSL or reported in the Human Gene Mutation Database (HGMD: prior to June 1st, 2018), and was therefore a candidate for classification through an automated scoring system. Utilizing variant allele frequency, disease prevalence and penetrance estimates, and inheritance mode, an automated score was calculated to assess if this variant is too frequent to cause the disease. Based on the score and internal cut-off values, a variant classified as benign is not then subjected to further curation. The score for this variant resulted in a classification of benign for this disease.